The following is an entry in ClinVar:

NM_022095.4(ZNF335):c.815-1G>A

Gene: ZNF335 (zinc finger protein 335; minus strand). Cytogenetic location: 20q13.12.
Variant type: single nucleotide variant.
Coding change: c.815-1G>A on transcript NM_022095.4 (MANE Select); the canonical splice acceptor site of the intron before coding-DNA position 815, G replaced by A.
Molecular consequence: splice acceptor variant.
Genome position (GRCh38, 1-based): chr20:45,967,635, C>T on the plus strand (G>A on the coding strand, the complement: ZNF335 is on the minus strand). VCF-style: chr20-45967635-C-T. GRCh37 (hg19) VCF-style: chr20-44596274-C-T.
Identifiers: ClinVar variation 5006382 (VCV005006382.2).

ClinVar aggregate classification (germline): Uncertain significance (1 of 4 stars; one submission).

Conditions:
Microcephalic primordial dwarfism due to ZNF335 deficiency. Also called: Primary autosomal recessive microcephaly 10. Identifiers: Orphanet 329228, MedGen C3554499, MONDO:0014043, OMIM 615095.

gnomAD v4.1: 1 of 1,613,772 alleles (0.000062%); highest among the groups gnomAD compares: East Asian, 0.0022%; no homozygotes.

Submission:

Juno Genomics, Hangzhou Juno Genomics, Inc
Classification: Uncertain significance for Microcephalic primordial dwarfism due to ZNF335 deficiency. Review status: criteria provided, single submitter. Criteria: ACMG Guidelines, 2015. Collection method: clinical testing. Allele origin: germline.
Comment: Null variant in a gene where loss of function (LOF) is a known mechanism of disease.;Absent from controls (or at extremely low frequency if recessive) in Genome Aggregation Database.